The following is an entry in ClinVar:

NM_001558.4(IL10RA):c.1118G>T (p.Cys373Phe)

Gene: IL10RA (interleukin 10 receptor subunit alpha; plus strand). Cytogenetic location: 11q23.3.
Variant type: single nucleotide variant.
Coding change: c.1118G>T on transcript NM_001558.4 (MANE Select); coding-DNA position 1118, G replaced by T.
Protein change: p.Cys373Phe; replaces cysteine 373 with phenylalanine.
Molecular consequence: missense variant. On other transcripts: non-coding transcript variant (1).
Genome position (GRCh38, 1-based): chr11:117,999,022, G>T. VCF-style: chr11-117999022-G-T. GRCh37 (hg19) VCF-style: chr11-117869737-G-T.
Other names: c.1118G>T (NM_001558.3); short protein forms C373F.
Identifiers: ClinVar variation 1466075 (VCV001466075.7), dbSNP rs1342686509, ClinGen allele CA382779772.

ClinVar aggregate classification (germline): Uncertain significance. Review status: criteria provided, multiple submitters, no conflicts (2 of 4 stars). 2 submissions from 2 submitters: Uncertain significance (2). Last evaluated 2025-01-18.

Conditions:
Inborn genetic diseases. Identifiers: MedGen C0950123, MeSH D030342.
Inflammatory bowel disease 28. Also called: Inflammatory bowel disease 28, early onset, autosomal recessive. Identifiers: Orphanet 238569, MedGen C2751053, MONDO:0013153, OMIM 613148.

Allele frequency attached by ClinVar (database versions not stated): gnomAD exomes below 0.00001; TOPMed below 0.00001; gnomAD 0.00001.
gnomAD v4.1: 5 of 1,613,282 alleles (0.00031%); highest among the groups gnomAD compares: South Asian, 0.0022%; no homozygotes.

Submissions (2):

Ambry Genetics
Classification: Uncertain significance for Inborn genetic diseases. Last evaluated: 2025-01-18. Review status: criteria provided, single submitter. Criteria: Ambry Variant Classification Scheme 2023. Collection method: clinical testing. Allele origin: germline.

Labcorp Genetics (formerly Invitae), Labcorp
Classification: Uncertain significance for Inflammatory bowel disease 28. Last evaluated: 2021-09-25. Review status: criteria provided, single submitter. Criteria: Invitae Variant Classification Sherloc (09022015). Collection method: clinical testing. Allele origin: germline.
Comment: This sequence change replaces cysteine with phenylalanine at codon 373 of the IL10RA protein (p.Cys373Phe). The cysteine residue is highly conserved and there is a large physicochemical difference between cysteine and phenylalanine. In summary, the available evidence is currently insufficient to determine the role of this variant in disease. Therefore, it has been classified as a Variant of Uncertain Significance. Algorithms developed to predict the effect of missense changes on protein structure and function are either unavailable or do not agree on the potential impact of this missense change (SIFT: "Deleterious"; PolyPhen-2: "Probably Damaging"; Align-GVGD: "Class C0"). This variant has not been reported in the literature in individuals affected with IL10RA-related conditions. This variant is not present in population databases (ExAC no frequency).